The following is an entry in ClinVar:

ClinVar aggregate classification (germline): Benign (1 of 4 stars; one submission).

Conditions:
Ulnar-mammary syndrome (UMS). Also called: SCHINZEL SYNDROME; Ulnar-mammary syndrome of Pallister; PALLISTER ULNAR-MAMMARY SYNDROME. Identifiers: Orphanet 3138, MedGen C1866994, MONDO:0008411, OMIM 181450.

Allele frequency attached by ClinVar (database versions not stated): TOPMed 0.00001.
gnomAD v4.1: 14 of 1,586,668 alleles (0.00088%); highest among the groups gnomAD compares: East Asian, 0.018%; no homozygotes.

Submission:

Illumina Laboratory Services, Illumina
Classification: Benign for Ulnar-mammary syndrome. Last evaluated: 2018-01-12. Review status: criteria provided, single submitter. Criteria: ICSL Variant Classification Criteria 13 December 2019. Collection method: clinical testing. Allele origin: germline.
Comment: This variant was observed in the ICSL laboratory as part of a predisposition screen in an ostensibly healthy population. It had not been previously curated by ICSL or reported in the Human Gene Mutation Database (HGMD: prior to June 1st, 2018), and was therefore a candidate for classification through an automated scoring system. Utilizing variant allele frequency, disease prevalence and penetrance estimates, and inheritance mode, an automated score was calculated to assess if this variant is too frequent to cause the disease. Based on the score and internal cut-off values, a variant classified as benign is not then subjected to further curation. The score for this variant resulted in a classification of benign for this disease.

NM_005996.4(TBX3):c.1101C>G (p.Pro367=)

Gene: TBX3 (T-box transcription factor 3; minus strand). Cytogenetic location: 12q24.21.
Variant type: single nucleotide variant.
Coding change: c.1101C>G on transcript NM_005996.4 (MANE Select); coding-DNA position 1101, C replaced by G.
Protein change: p.Pro367=; no amino-acid change (proline 367 retained).
Molecular consequence: synonymous variant.
Genome position (GRCh38, 1-based): chr12:114,674,774, G>C on the plus strand (C>G on the coding strand, the complement: TBX3 is on the minus strand). VCF-style: chr12-114674774-G-C. GRCh37 (hg19) VCF-style: chr12-115112579-G-C.
Other names: c.1161C>G, p.Pro387= (NM_016569.4).
Identifiers: ClinVar variation 307368 (VCV000307368.5), dbSNP rs761242306, ClinGen allele CA6809997.